The following is an entry in ClinVar:

NM_015102.5(NPHP4):c.1496G>C (p.Gly499Ala)

Gene: NPHP4 (nephrocystin 4; minus strand). Cytogenetic location: 1p36.31.
Variant type: single nucleotide variant.
Coding change: c.1496G>C on transcript NM_015102.5 (MANE Select); coding-DNA position 1496, G replaced by C.
Protein change: p.Gly499Ala; replaces glycine 499 with alanine.
Molecular consequence: missense variant. On other transcripts: non-coding transcript variant (1), intron variant (2).
Genome position (GRCh38, 1-based): chr1:5,909,159, C>G on the plus strand (G>C on the coding strand, the complement: NPHP4 is on the minus strand). VCF-style: chr1-5909159-C-G. GRCh37 (hg19) VCF-style: chr1-5969219-C-G.
Other names: c.76-3376G>C (NM_001291594.2); c.76-3379G>C (NM_001291593.2); short protein forms G499A.
Identifiers: ClinVar variation 1707760 (VCV001707760.2), dbSNP rs2521716568, ClinGen allele CA338057592.

ClinVar aggregate classification (germline): Uncertain significance (1 of 4 stars; one submission).

Submission:

GeneDx
Classification: Uncertain significance. Last evaluated: 2022-03-28. Review status: criteria provided, single submitter. Criteria: GeneDx Variant Classification Process June 2021. Collection method: clinical testing. Allele origin: germline. Affected: yes.
Comment: Not observed at significant frequency in large population cohorts (gnomAD); In silico analysis supports that this missense variant does not alter protein structure/function; Has not been previously published as pathogenic or benign to our knowledge